The following is an entry in ClinVar:

NM_019066.5(MAGEL2):c.2141T>C (p.Leu714Ser)

Gene: MAGEL2 (MAGE family member L2; minus strand). Cytogenetic location: 15q11.2.
Variant type: single nucleotide variant.
Coding change: c.2141T>C on transcript NM_019066.5 (MANE Select); coding-DNA position 2141, T replaced by C.
Protein change: p.Leu714Ser; replaces leucine 714 with serine.
Molecular consequence: missense variant.
Genome position (GRCh38, 1-based): chr15:23,645,602, A>G on the plus strand (T>C on the coding strand, the complement: MAGEL2 is on the minus strand). VCF-style: chr15-23645602-A-G. GRCh37 (hg19) VCF-style: chr15-23890749-A-G.
Other names: short protein forms L714S.
Identifiers: ClinVar variation 1703386 (VCV001703386.3), dbSNP rs1304065762, ClinGen allele CA391332597.

ClinVar aggregate classification (germline): Uncertain significance. Review status: criteria provided, single submitter (1 of 4 stars). 2 submissions from 2 submitters: Uncertain significance (1). 1 of the submissions does not count toward it. Last evaluated 2022-02-25.

Conditions:
MAGEL2-related disorder. Also called: MAGEL2-related condition.

Allele frequency attached by ClinVar (database versions not stated): gnomAD exomes below 0.00001; TOPMed 0.00001.

Submissions (2):

GeneDx
Classification: Uncertain significance. Last evaluated: 2022-02-25. Review status: criteria provided, single submitter. Criteria: GeneDx Variant Classification Process June 2021. Collection method: clinical testing. Allele origin: germline. Affected: yes.
Comment: Has not been previously published as pathogenic or benign to our knowledge; Not observed at significant frequency in large population cohorts (gnomAD); In silico analysis supports that this missense variant does not alter protein structure/function

PreventionGenetics, part of Exact Sciences
Classification: Uncertain significance for MAGEL2-related condition. Last evaluated: 2023-12-27. Review status: no assertion criteria provided. Collection method: clinical testing. Allele origin: germline. Not counted in ClinVar's aggregate classification.
Comment: The MAGEL2 c.2141T>C variant is predicted to result in the amino acid substitution p.Leu714Ser. To our knowledge, this variant has not been reported in the literature. This variant is reported in 0.0012% of alleles in individuals of South Asian descent in gnomAD v4. At this time, the clinical significance of this variant is uncertain due to the absence of conclusive functional and genetic evidence.